The following is an entry in ClinVar:

NM_024675.4(PALB2):c.1744T>C (p.Ser582Pro)

Gene: PALB2 (partner and localizer of BRCA2; minus strand). Cytogenetic location: 16p12.2.
Variant type: single nucleotide variant.
Coding change: c.1744T>C on transcript NM_024675.4 (MANE Select); coding-DNA position 1744, T replaced by C.
Protein change: p.Ser582Pro; replaces serine 582 with proline.
Molecular consequence: missense variant.
Genome position (GRCh38, 1-based): chr16:23,630,410, A>G on the plus strand (T>C on the coding strand, the complement: PALB2 is on the minus strand). VCF-style: chr16-23630410-A-G. GRCh37 (hg19) VCF-style: chr16-23641731-A-G.
Other names: short protein forms S582P.
Identifiers: ClinVar variation 232171 (VCV000232171.15), dbSNP rs876659597, ClinGen allele CA10579999.
Genomic context (GRCh38, chr16:23,630,410, plus strand): 5'-GCTTTAAACTCAGCATTCCATCCCTATGAAATGGAGCCGTGAAAGCATCATCATCCAAGG[A>G]TAAATAAGCACTATTACTCCAAGAAAGGGAATCCTCTTTTTGATGACGACTTTTCTTCCC-3'
Protein context (NP_078951.2, residues 572-592): SLSWSNSAYL[Ser582Pro]LDDDAFTAPF

ClinVar aggregate classification (germline): Conflicting classifications of pathogenicity. Review status: criteria provided, conflicting classifications (1 of 4 stars). 2 submissions from 2 submitters: Uncertain significance (1); Likely benign (1). Last evaluated 2025-11-10.

Conditions:
Familial cancer of breast. Also called: BREAST CANCER, FAMILIAL; hereditary breast carcinoma; Hereditary breast cancer. Identifiers: Orphanet 227535, MedGen C0346153, MONDO:0016419, OMIM 114480. Disease mechanism: loss of function.
Hereditary cancer-predisposing syndrome. Also called: Neoplastic Syndromes, Hereditary; Tumor predisposition; Hereditary Cancer Syndrome; Hereditary neoplastic syndrome. Identifiers: Orphanet 140162, MedGen C0027672, MeSH D009386, MONDO:0015356.

Allele frequency attached by ClinVar (database versions not stated): gnomAD 0.00001 and 0.00002; TOPMed 0.00002.
gnomAD v4.1: 2 of 1,614,012 alleles (0.00012%); highest among the groups gnomAD compares: African/African-American, 0.0027%; no homozygotes.

Submissions (2):

Labcorp Genetics (formerly Invitae), Labcorp
Classification: Uncertain significance for Familial cancer of breast. Last evaluated: 2025-11-10. Review status: criteria provided, single submitter. Criteria: Invitae Variant Classification Sherloc (09022015). Collection method: clinical testing. Allele origin: germline.
Comment: This sequence change replaces serine, which is neutral and polar, with proline, which is neutral and non-polar, at codon 582 of the PALB2 protein (p.Ser582Pro). This variant is not present in population databases (gnomAD no frequency). This variant has not been reported in the literature in individuals affected with PALB2-related conditions. ClinVar contains an entry for this variant (Variation ID: 232171). Invitae Evidence Modeling of protein sequence and biophysical properties (such as structural, functional, and spatial information, amino acid conservation, physicochemical variation, residue mobility, and thermodynamic stability) indicates that this missense variant is not expected to disrupt PALB2 protein function with a negative predictive value of 80%. In summary, the available evidence is currently insufficient to determine the role of this variant in disease. Therefore, it has been classified as a Variant of Uncertain Significance.

Ambry Genetics
Classification: Likely benign for Hereditary cancer-predisposing syndrome. Last evaluated: 2024-07-11. Review status: criteria provided, single submitter. Criteria: Ambry Variant Classification Scheme 2023. Collection method: clinical testing. Allele origin: germline.